The following is an entry in ClinVar:

ClinVar aggregate classification (germline): Uncertain significance (1 of 4 stars; one submission).

Allele frequency attached by ClinVar (database versions not stated): gnomAD 0.00001; TOPMed 0.00001; ExAC 0.00002; gnomAD exomes 0.00003.
gnomAD v4.1: 40 of 1,613,990 alleles (0.0025%); highest among the groups gnomAD compares: Admixed American, 0.0033%; no homozygotes.

Submission:

Labcorp Genetics (formerly Invitae), Labcorp
Classification: Uncertain significance. Last evaluated: 2021-10-02. Review status: criteria provided, single submitter. Criteria: Invitae Variant Classification Sherloc (09022015). Collection method: clinical testing. Allele origin: germline.
Comment: This sequence change replaces arginine with tryptophan at codon 1139 of the LAMC2 protein (p.Arg1139Trp). The arginine residue is moderately conserved and there is a moderate physicochemical difference between arginine and tryptophan. This variant is present in population databases (rs757460809, ExAC 0.006%). This variant has not been reported in the literature in individuals with LAMC2-related conditions. Algorithms developed to predict the effect of missense changes on protein structure and function are either unavailable or do not agree on the potential impact of this missense change (SIFT: "Deleterious"; PolyPhen-2: "Possibly Damaging"; Align-GVGD: "Class C0"). In summary, the available evidence is currently insufficient to determine the role of this variant in disease. Therefore, it has been classified as a Variant of Uncertain Significance.

NM_005562.3(LAMC2):c.3415C>T (p.Arg1139Trp)

Gene: LAMC2 (laminin subunit gamma 2; plus strand). Cytogenetic location: 1q25.3.
Variant type: single nucleotide variant.
Coding change: c.3415C>T on transcript NM_005562.3 (MANE Select); coding-DNA position 3415, C replaced by T.
Protein change: p.Arg1139Trp; replaces arginine 1139 with tryptophan.
Molecular consequence: missense variant.
Genome position (GRCh38, 1-based): chr1:183,243,233, C>T. VCF-style: chr1-183243233-C-T. GRCh37 (hg19) VCF-style: chr1-183212368-C-T.
Other names: short protein forms R1139W.
Identifiers: ClinVar variation 2066878 (VCV002066878.1), dbSNP rs757460809, ClinGen allele CA1283249.
Genomic context (GRCh38, chr1:183,243,233, plus strand): 5'-GGGCTGGTCTTACTGGAGCAGAAGCTTTCCCGAGCCAAGACCCAGATCAACAGCCAACTG[C>T]GGCCCATGATGTCAGAGCTGGAAGAGAGGGCACGTCAGCAGAGGGGCCACCTCCATTTGC-3'
Protein context (NP_005553.2, residues 1129-1149): RAKTQINSQL[Arg1139Trp]PMMSELEERA